The following is an entry in ClinVar:

NM_004064.5(CDKN1B):c.226_227insA (p.Trp76Ter)

Gene: CDKN1B (cyclin dependent kinase inhibitor 1B; plus strand). Cytogenetic location: 12p13.1.
Variant type: Insertion.
Coding change: c.226_227insA on transcript NM_004064.5 (MANE Select); coding-DNA positions 226 to 227, A inserted.
Protein change: p.Trp76Ter; replaces tryptophan 76 with a stop codon.
Molecular consequence: nonsense.
Genome position: GRCh38 VCF-style: chr12-12718065-T-TA. GRCh37 (hg19) VCF-style: chr12-12870999-T-TA.
Other names: short protein forms W76*.
Identifiers: ClinVar variation 1405782 (VCV001405782.6), dbSNP rs2136355842, ClinGen allele CA2573147861.

ClinVar aggregate classification (germline): Pathogenic (1 of 4 stars; one submission).

Conditions:
Multiple endocrine neoplasia type 4. Also called: MULTIPLE ENDOCRINE NEOPLASIA, TYPE IV. Identifiers: Orphanet 276152, MedGen C1970712, MONDO:0012552, OMIM 610755.

Submission:

Labcorp Genetics (formerly Invitae), Labcorp
Classification: Pathogenic for Multiple endocrine neoplasia type 4. Last evaluated: 2021-04-14. Review status: criteria provided, single submitter. Criteria: Invitae Variant Classification Sherloc (09022015). Collection method: clinical testing. Allele origin: germline.
Comment: For these reasons, this variant has been classified as Pathogenic. This variant has not been reported in the literature in individuals with CDKN1B-related conditions. This variant is not present in population databases (ExAC no frequency). This sequence change creates a premature translational stop signal (p.Trp76*) in the CDKN1B gene. It is expected to result in an absent or disrupted protein product. Loss-of-function variants in CDKN1B are known to be pathogenic (PMID: 17030811, 24819502).

Literature cited by the submitters: PubMed 17030811; PubMed 24819502.